The following is an entry in ClinVar:

NM_001263.4(CDS1):c.1219G>T (p.Ala407Ser)

Gene: CDS1 (CDP-diacylglycerol synthase 1; plus strand). Cytogenetic location: 4q21.23.
Variant type: single nucleotide variant.
Coding change: c.1219G>T on transcript NM_001263.4 (MANE Select); coding-DNA position 1219, G replaced by T.
Protein change: p.Ala407Ser; replaces alanine 407 with serine.
Molecular consequence: missense variant.
Genome position (GRCh38, 1-based): chr4:84,645,288, G>T. VCF-style: chr4-84645288-G-T. GRCh37 (hg19) VCF-style: chr4-85566441-G-T.
Other names: short protein forms A407S.
Identifiers: ClinVar variation 2631602 (VCV002631602.2), dbSNP rs2530037314, ClinGen allele CA357261341.

ClinVar aggregate classification (germline): Uncertain significance (1 of 4 stars; one submission).

Conditions:
CDS1-related disorder. Also called: CDS1-related condition.

Submission:

PreventionGenetics, part of Exact Sciences
Classification: Uncertain significance for CDS1-related condition. Last evaluated: 2025-12-02. Review status: criteria provided, single submitter. Criteria: ACMG Guidelines, 2015. Collection method: clinical testing. Allele origin: germline.
Comment: The CDS1 c.1219G>T variant is predicted to result in the amino acid substitution p.Ala407Ser. To our knowledge, this variant has not been reported in the literature or in a large population database (gnomAD), indicating this variant is rare. At this time, the clinical significance of this variant is uncertain due to the absence of conclusive functional and genetic evidence.